The following is an entry in ClinVar:

NM_007294.4(BRCA1):c.5084T>G (p.Phe1695Cys)

Gene: BRCA1 (BRCA1 DNA repair associated; minus strand). Cytogenetic location: 17q21.31.
Variant type: single nucleotide variant.
Coding change: c.5084T>G on transcript NM_007294.4 (MANE Select); coding-DNA position 5084, T replaced by G.
Protein change: p.Phe1695Cys; replaces phenylalanine 1695 with cysteine.
Molecular consequence: missense variant. On other transcripts: non-coding transcript variant (1).
Genome position (GRCh38, 1-based): chr17:43,063,942, A>C on the plus strand (T>G on the coding strand, the complement: BRCA1 is on the minus strand). VCF-style: chr17-43063942-A-C. GRCh37 (hg19) VCF-style: chr17-41215959-A-C.
Other names: c.4958T>G, p.Phe1653Cys (NM_001407670.1, NM_001407671.1, NM_001407939.1 and 10 more transcripts); c.4955T>G, p.Phe1652Cys (NM_001407682.1, NM_001407683.1, NM_001407685.1 and 6 more transcripts); c.5084T>G, p.Phe1695Cys (NM_001407684.1, NM_001407854.1, NM_001407593.1 and 7 more transcripts); c.4952T>G, p.Phe1651Cys (NM_001407690.1, NM_001407691.1); c.4943T>G, p.Phe1648Cys (NM_001407727.1, NM_001407728.1, NM_001407729.1 and 13 more transcripts); c.4940T>G, p.Phe1647Cys (NM_001407732.1, NM_001407733.1, NM_001407734.1 and 21 more transcripts); c.4937T>G, p.Phe1646Cys (NM_001407838.1, NM_001407839.1, NM_001407851.1 and 12 more transcripts); c.5081T>G, p.Phe1694Cys (NM_001407858.1, NM_001407859.1, NM_001407860.1 and 17 more transcripts); and 71 more; short protein forms F1648C, F1695C, F1716C, F591C, F1567C, F1568C, F1606C, F1607C.
Identifiers: ClinVar variation 869012 (VCV000869012.3), dbSNP rs2051933725, ClinGen allele CA10591352.
Genomic context (GRCh38, chr17:43,063,942, plus strand): 5'-CTAACTACCCATTTTCCTCCCGCAATTCCTAGAAAATATTTCAGTGTCCGTTCACACACA[A>C]ACTCAGCATCTGCAGAATGAAAAACACTCAAAGGATTAGAAGTTGAAAACAAAATCAGGA-3'
Protein context (NP_009225.1, residues 1685-1705): THVVMKTDAE[Phe1695Cys]VCERTLKYFL

Conditions:
Breast-ovarian cancer, familial, susceptibility to, 1 (BROVCA1). Also called: BRCA1 Hereditary Breast and Ovarian Cancer; OVARIAN CANCER, SUSCEPTIBILITY TO. Identifiers: Orphanet 145, MedGen C2676676, MONDO:0011450, OMIM 604370. Disease mechanism: loss of function.

Submission:

Brotman Baty Institute, University of Washington
No classification provided (evidence only). Condition: Breast-ovarian cancer, familial 1. Review status: no classification provided. Collection method: in vitro. Allele origin: not applicable. Functional consequence: functionally_normal.
ClinVar note: "not provided" was previously submitted as the classification for the variant. However, the classification appeared to be based only on an observation of functional data so it was converted to no classification on 2025-07-30.